The following is an entry in ClinVar:

ClinVar aggregate classification (germline): Likely pathogenic (1 of 4 stars; one submission).

Submission:

Labcorp Genetics (formerly Invitae), Labcorp
Classification: Likely pathogenic. Last evaluated: 2022-04-26. Review status: criteria provided, single submitter. Criteria: Invitae Variant Classification Sherloc (09022015). Collection method: clinical testing. Allele origin: germline.
Comment: In summary, the currently available evidence indicates that the variant is pathogenic, but additional data are needed to prove that conclusively. Therefore, this variant has been classified as Likely Pathogenic. This variant disrupts the p.Gly91 amino acid residue in COL4A3. Other variant(s) that disrupt this residue have been determined to be pathogenic (PMID: 30295827; Invitae). This suggests that this residue is clinically significant, and that variants that disrupt this residue are likely to be disease-causing. Advanced modeling of protein sequence and biophysical properties (such as structural, functional, and spatial information, amino acid conservation, physicochemical variation, residue mobility, and thermodynamic stability) performed at Invitae indicates that this missense variant is expected to disrupt COL4A3 protein function. This variant has not been reported in the literature in individuals affected with COL4A3-related conditions. This variant is not present in population databases (gnomAD no frequency). This sequence change replaces glycine, which is neutral and non-polar, with alanine, which is neutral and non-polar, at codon 91 of the COL4A3 protein (p.Gly91Ala).

Literature cited by the submitters: PubMed 30295827.

NM_000091.5(COL4A3):c.272G>C (p.Gly91Ala)

Genes: COL4A3 (collagen type IV alpha 3 chain; plus strand), MFF-DT (MFF divergent transcript; minus strand). Cytogenetic location: 2q36.3.
Variant type: single nucleotide variant.
Coding change: c.272G>C on transcript NM_000091.5 (MANE Select); coding-DNA position 272, G replaced by C.
Protein change: p.Gly91Ala; replaces glycine 91 with alanine.
Molecular consequence: missense variant.
Genome position (GRCh38, 1-based): chr2:227,244,357, G>C. VCF-style: chr2-227244357-G-C. GRCh37 (hg19) VCF-style: chr2-228109073-G-C.
Other names: short protein forms G91A.
Identifiers: ClinVar variation 1961108 (VCV001961108.5), dbSNP rs1414411811, ClinGen allele CA350860672.
Genomic context (GRCh38, chr2:227,244,357, plus strand): 5'-TTTCTTTTTTCACTTGAATCTAGGGCTTTCCAGGACTTCCAGGACTCACGGGTTCCAAAG[G>C]TGTAAGGGTTAGTAGTCCAACCAGTCCACCCTGATCGTTAAAAGATCAGCTTTTCACAGT-3'
Protein context (NP_000082.2, residues 81-101): PGLPGLTGSK[Gly91Ala]VRGISGLPGF